The following is an entry in ClinVar:

NM_145290.4(ADGRA3):c.89GCG[4] (p.Gly34_Gly35del)

Gene: ADGRA3 (adhesion G protein-coupled receptor A3; minus strand). Cytogenetic location: 4p15.2.
Variant type: Microsatellite.
Coding change: c.89GCG[4] on transcript NM_145290.4 (MANE Select); four copies in a row of the 3-base unit GCG starting at c.89; the reference has six copies in a row; two copies, 6 bases deleted.
Protein change: p.Gly34_Gly35del.
Molecular consequence: inframe deletion.
Genome position (GRCh38, 1-based): chr4:22,515,679-22,515,684, CGCCGC deleted on the plus strand (GCGGCG on the coding strand, the reverse complement: ADGRA3 is on the minus strand); deleting any 6 consecutive bases within chr4:22,515,679-22,515,697 gives the same sequence; the position shown is the placement nearest the transcript's 3' end. VCF-style (leftmost placement, unchanged base first): chr4-22515678-GCGCCGC-G. GRCh37 (hg19) VCF-style: chr4-22517301-GCGCCGC-G.
Identifiers: ClinVar variation 1406606 (VCV001406606.7), dbSNP rs769005255, ClinGen allele CA913106537.

ClinVar aggregate classification (germline): Uncertain significance. Review status: criteria provided, multiple submitters, no conflicts (2 of 4 stars). 2 submissions from 2 submitters: Uncertain significance (2). Last evaluated 2022-06-13.

Submissions (2):

Labcorp Genetics (formerly Invitae), Labcorp
Classification: Uncertain significance. Last evaluated: 2022-06-13. Review status: criteria provided, single submitter. Criteria: Invitae Variant Classification Sherloc (09022015). Collection method: clinical testing. Allele origin: germline.
Comment: In summary, the available evidence is currently insufficient to determine the role of this variant in disease. Therefore, it has been classified as a Variant of Uncertain Significance. Experimental studies and prediction algorithms are not available or were not evaluated, and the functional significance of this variant is currently unknown. This variant has not been reported in the literature in individuals affected with ADGRA3-related conditions. The frequency data for this variant in the population databases is considered unreliable, as metrics indicate insufficient coverage at this position in the gnomAD database. This variant, c.101_106del, results in the deletion of 2 amino acid(s) of the ADGRA3 protein (p.Gly34_Gly35del), but otherwise preserves the integrity of the reading frame.

Breakthrough Genomics
Classification: Uncertain significance. Review status: criteria provided, single submitter. Criteria: ACMG Guidelines, 2015. Collection method: not provided. Allele origin: germline. Inheritance: Unknown mechanism. Affected: yes.